The following is an entry in ClinVar:

ClinVar aggregate classification (germline): Uncertain significance. Review status: criteria provided, multiple submitters, no conflicts (2 of 4 stars). 3 submissions from 3 submitters: Uncertain significance (3). Last evaluated 2025-07-14.

Allele frequency attached by ClinVar (database versions not stated): gnomAD exomes 0.00002; gnomAD 0.00010; TOPMed 0.00026.
gnomAD v4.1: 50 of 1,549,078 alleles (0.0032%); highest among the groups gnomAD compares: Admixed American, 0.031%; no homozygotes.

Submissions (3):

GeneDx
Classification: Uncertain significance. Last evaluated: 2025-07-14. Review status: criteria provided, single submitter. Criteria: GeneDx Variant Classification Process June 2021. Collection method: clinical testing. Allele origin: germline.
Comment: In silico analysis supports that this missense variant has a deleterious effect on protein structure/function; Has not been previously published as pathogenic or benign to our knowledge

Blueprint Genetics
Classification: Uncertain significance. Last evaluated: 2022-10-28. Review status: criteria provided, single submitter. Criteria: ACMG Guidelines, 2015. Collection method: clinical testing. Allele origin: germline.

Laboratory for Molecular Medicine, Mass General Brigham Personalized Medicine
Classification: Uncertain significance. Last evaluated: 2015-10-22. Review status: criteria provided, single submitter. Criteria: LMM Criteria. Collection method: clinical testing. Allele origin: germline. Observed: 1 variant allele.
Comment: The p.Arg2616Cys variant in OTOG has not been previously reported in individuals with hearing loss. Data from large population studies is insufficient to assess the frequency of this variant. Computational prediction tools and conservation analysis suggest that the Arg2616Cys variant may impact the protein, though this information is not predictive enough to determine pathogenicity. In summary, th e clinical significance of the p.Arg2616Cys variant is uncertain.

NM_001292063.2(OTOG):c.7810C>T (p.Arg2604Cys)

Gene: OTOG (otogelin; plus strand). Cytogenetic location: 11p15.1.
Variant type: single nucleotide variant.
Coding change: c.7810C>T on transcript NM_001292063.2 (MANE Select); coding-DNA position 7810, C replaced by T.
Protein change: p.Arg2604Cys; replaces arginine 2604 with cysteine.
Molecular consequence: missense variant.
Genome position (GRCh38, 1-based): chr11:17,638,465, C>T. VCF-style: chr11-17638465-C-T. GRCh37 (hg19) VCF-style: chr11-17660012-C-T.
Other names: c.7846C>T, p.Arg2616Cys (NM_001277269.2); short protein forms R2616C, R2604C.
Identifiers: ClinVar variation 229105 (VCV000229105.8), dbSNP rs876657944, ClinGen allele CA10576874.
Genomic context (GRCh38, chr11:17,638,465, plus strand): 5'-CCAGGTGCCTGTGACTGACGTGTCAACTGCCTCTCCTTCCCCACAGTGTGTGAGAACTTC[C>T]GCTGTCCCCAAGTGCAGTGTGGCCTGGGCACTGCCCTGGTGGAGGTGTGGAGCCCCGACC-3'
Protein context (NP_001278992.1, residues 2594-2614): PLYQCVCENF[Arg2604Cys]CPQVQCGLGT